The following is an entry in ClinVar:

NM_001126128.2(PROK2):c.21C>T (p.Ala7=)

Gene: PROK2 (prokineticin 2; minus strand). Cytogenetic location: 3p13.
Variant type: single nucleotide variant.
Coding change: c.21C>T on transcript NM_001126128.2 (MANE Select); coding-DNA position 21, C replaced by T.
Protein change: p.Ala7=; no amino-acid change (alanine 7 retained).
Molecular consequence: synonymous variant.
Genome position (GRCh38, 1-based): chr3:71,785,032, G>A on the plus strand (C>T on the coding strand, the complement: PROK2 is on the minus strand). VCF-style: chr3-71785032-G-A. GRCh37 (hg19) VCF-style: chr3-71834183-G-A.
Other names: c.21C>T, p.Ala7= (NM_021935.4).
Identifiers: ClinVar variation 4981965 (VCV004981965.1).

ClinVar aggregate classification (germline): Likely benign (1 of 4 stars; one submission).

Conditions:
PROK2-related disorder. Also called: PROK2-related condition.

gnomAD v4.1: 1 of 1,242,936 alleles (0.00008%); highest among the groups gnomAD compares: Middle Eastern, 0.025%; no homozygotes.

Submission:

PreventionGenetics, part of Exact Sciences
Classification: Likely benign for PROK2-related condition. Last evaluated: 2025-04-04. Review status: criteria provided, single submitter. Criteria: ACMG Guidelines, 2015. Collection method: clinical testing. Allele origin: germline.
Comment: This variant is classified as likely benign based on ACMG/AMP sequence variant interpretation guidelines (Richards et al. 2015 PMID: 25741868, with internal and published modifications).